The following is an entry in ClinVar:

ClinVar aggregate classification (germline): Likely pathogenic (1 of 4 stars; one submission).

Conditions:
Leber congenital amaurosis (LCA). Also called: Leber's amaurosis. Identifiers: Orphanet 65, MedGen C0339527, MeSH D057130, MONDO:0018998.

Submission:

Natera, Inc.
Classification: Likely pathogenic for Leber congenital amaurosis. Last evaluated: 2025-09-05. Review status: criteria provided, single submitter. Criteria: Natera Variant Classification Schema (03/2026). Collection method: clinical testing. Allele origin: germline.
Comment: The c.3577del variant in CEP290 is a frameshift variant predicted to shift the reading frame beginning at codon 1193 and leads to a stop codon 20 codons downstream. This variant is expected to result in nonsense mediated decay, truncation, or a dysfunctional protein product. This variant is rare in the general population with a frequency below the threshold expected for the associated phenotype(s). Given the available evidence, this variant is classified as Likely Pathogenic.

NM_025114.4(CEP290):c.3577del (p.Gln1193fs)

Gene: CEP290 (centrosomal protein 290; minus strand). Cytogenetic location: 12q21.32.
Variant type: Deletion.
Coding change: c.3577del on transcript NM_025114.4 (MANE Select); coding-DNA position 3577, one base deleted (C; older notation c.3577delC).
Protein change: p.Gln1193fs; shifts the reading frame from glutamine 1193.
Molecular consequence: frameshift variant.
Genome position (GRCh38, 1-based): chr12:88,089,484, G deleted on the plus strand (C on the coding strand, the reverse complement: CEP290 is on the minus strand). VCF-style (leftmost placement, unchanged base first): chr12-88089483-TG-T. GRCh37 (hg19) VCF-style: chr12-88483260-TG-T.
Other names: short protein forms Q1193fs.
Identifiers: ClinVar variation 4816210 (VCV004816210.1).